The following is an entry in ClinVar:

ClinVar aggregate classification (germline): Benign/Likely benign. Review status: criteria provided, multiple submitters, no conflicts (2 of 4 stars). 3 submissions from 3 submitters: Benign (1); Likely benign (2). Last evaluated 2025-05-16.

Conditions:
Hereditary cancer-predisposing syndrome. Also called: Hereditary Cancer Syndrome; Hereditary neoplastic syndrome; Tumor predisposition; Neoplastic Syndromes, Hereditary. Identifiers: Orphanet 140162, MedGen C0027672, MeSH D009386, MONDO:0015356.
Tuberous sclerosis 2 (TSC2). Identifiers: Orphanet 805, MedGen C1860707, MONDO:0013199, OMIM 613254.

Allele frequency attached by ClinVar (database versions not stated): ExAC 0.00001; ESP Exome Variant Server 0.00008; gnomAD exomes below 0.00001.
gnomAD v4.1: 4 of 1,613,440 alleles (0.00025%); highest among the groups gnomAD compares: Middle Eastern, 0.016%; no homozygotes.

Submissions (3):

Myriad Genetics, Inc.
Classification: Benign for Tuberous sclerosis 2. Last evaluated: 2025-05-16. Review status: criteria provided, single submitter. Criteria: Myriad Autosomal Dominant, Autosomal Recessive and X-Linked Classification Criteria (2023). Collection method: clinical testing. Allele origin: unknown.
Comment: This variant is considered benign. This variant is a silent/synonymous amino acid change and it is not expected to impact splicing.

Labcorp Genetics (formerly Invitae), Labcorp
Classification: Likely benign for Tuberous sclerosis 2. Last evaluated: 2024-11-05. Review status: criteria provided, single submitter. Criteria: Invitae Variant Classification Sherloc (09022015). Collection method: clinical testing. Allele origin: germline.

Ambry Genetics
Classification: Likely benign for Hereditary cancer-predisposing syndrome. Last evaluated: 2023-01-24. Review status: criteria provided, single submitter. Criteria: Ambry Variant Classification Scheme 2023. Collection method: clinical testing. Allele origin: germline.

NM_000548.5(TSC2):c.1929C>T (p.Tyr643=)

Gene: TSC2 (TSC complex subunit 2; plus strand). Cytogenetic location: 16p13.3.
Variant type: single nucleotide variant.
Coding change: c.1929C>T on transcript NM_000548.5 (MANE Select); coding-DNA position 1929, C replaced by T.
Protein change: p.Tyr643=; no amino-acid change (tyrosine 643 retained).
Molecular consequence: synonymous variant.
Genome position (GRCh38, 1-based): chr16:2,071,599, C>T. VCF-style: chr16-2071599-C-T. GRCh37 (hg19) VCF-style: chr16-2121600-C-T.
Other names: c.1929C>T, p.Tyr643= (NM_001077183.3, NM_001114382.3, NM_001363528.2 and 3 more transcripts); c.1818C>T, p.Tyr606= (NM_001318827.2); c.1782C>T, p.Tyr594= (NM_001318829.2); c.1329C>T, p.Tyr443= (NM_001318831.2); c.1962C>T, p.Tyr654= (NM_001318832.2); c.1929C>T (NM_000548.3).
Identifiers: ClinVar variation 1454502 (VCV001454502.10), dbSNP rs368710573, ClinGen allele CA034508.
Genomic context (GRCh38, chr16:2,071,599, plus strand): 5'-CGACTCACTGCACCGCCTGGGCCTGCCCAACAAGGATGGAGTCGTGCGGTTCAGCCCCTA[C>T]TGCGTCTGCGACTACATGTACGCGGGACCTCGCCCACGGCCCATGAGGCTCAGGGCGTCA-3'
Protein context (NP_000539.2, residues 633-653): NKDGVVRFSP[Tyr643=]CVCDYMEPER